The following is an entry in ClinVar:

NM_201384.3(PLEC):c.5725C>T (p.Gln1909Ter)

Gene: PLEC (plectin; minus strand). Cytogenetic location: 8q24.3.
Variant type: single nucleotide variant.
Coding change: c.5725C>T on transcript NM_201384.3 (MANE Select); coding-DNA position 5725, C replaced by T.
Protein change: p.Gln1909Ter; replaces glutamine 1909 with a stop codon.
Molecular consequence: nonsense. On other transcripts: intron variant (1).
Genome position (GRCh38, 1-based): chr8:143,924,204, G>A on the plus strand (C>T on the coding strand, the complement: PLEC is on the minus strand). VCF-style: chr8-143924204-G-A. GRCh37 (hg19) VCF-style: chr8-144998372-G-A.
Other names: c.5806C>T, p.Gln1936Ter (NM_000445.5); c.5683C>T, p.Gln1895Ter (NM_201378.4); c.5659C>T, p.Gln1887Ter (NM_201379.3); c.6136C>T, p.Gln2046Ter (NM_201380.4); c.5629C>T, p.Gln1877Ter (NM_201381.3); c.5725C>T, p.Gln1909Ter (NM_201382.4); c.5737C>T, p.Gln1913Ter (NM_201383.3); c.4126-1809C>T (NM_001410941.1); short protein forms Q1877*, Q1887*, Q1895*, Q1909*, Q1913*, Q1936*, Q2046*.
Identifiers: ClinVar variation 3896946 (VCV003896946.1).
Genomic context (GRCh38, chr8:143,924,204, plus strand): 5'-CCAGGATCTCCTCCTCCACCTGCCGCCGCTGCCTCAGCGTGTCCTCCACCAGCCCCTTCT[G>A]CCGCTCCAGCTCGCTGTCCGATGCCTTGCGCAGCTGGGCCAGGCGCTCCTCGATGTCAGC-3'

ClinVar aggregate classification (germline): Pathogenic (1 of 4 stars; one submission).

Conditions:
Epidermolysis bullosa simplex 5B, with muscular dystrophy (EBS5B). Also called: EPIDERMOLYSIS BULLOSA SIMPLEX AND LIMB-GIRDLE MUSCULAR DYSTROPHY; Epidermolysis bullosa simplex with muscular dystrophy. Identifiers: Orphanet 257, MedGen C2931072, MONDO:0009181, OMIM 226670.

gnomAD v4.1: 5 of 1,598,996 alleles (0.00031%); highest among the groups gnomAD compares: Non-Finnish European, 0.00025%; no homozygotes.

Submission:

Kariminejad - Najmabadi Pathology & Genetics Center
Classification: Pathogenic for Epidermolysis bullosa simplex 5B, with muscular dystrophy. Last evaluated: 2024-04-08. Review status: criteria provided, single submitter. Criteria: ACMG Guidelines, 2015. Collection method: clinical testing. Allele origin: germline. Inheritance: Autosomal recessive inheritance. Affected: yes.
Comment: PVS1(Very Strong),PM2,PP5